The following is an entry in ClinVar:

NM_002224.4(ITPR3):c.5456G>A (p.Arg1819His)

Gene: ITPR3 (inositol 1,4,5-trisphosphate receptor type 3; plus strand). Cytogenetic location: 6p21.31.
Variant type: single nucleotide variant.
Coding change: c.5456G>A on transcript NM_002224.4 (MANE Select); coding-DNA position 5456, G replaced by A.
Protein change: p.Arg1819His; replaces arginine 1819 with histidine.
Molecular consequence: missense variant.
Genome position (GRCh38, 1-based): chr6:33,685,507, G>A. VCF-style: chr6-33685507-G-A. GRCh37 (hg19) VCF-style: chr6-33653284-G-A.
Other names: short protein forms R1819H.
Identifiers: ClinVar variation 719677 (VCV000719677.6), dbSNP rs9469559, ClinGen allele CA3761562.

ClinVar aggregate classification (germline): Benign. Review status: criteria provided, single submitter (1 of 4 stars). 2 submissions from 2 submitters: Benign (1). 1 of the submissions does not count toward it. Last evaluated 2019-12-31.

Conditions:
ITPR3-related disorder. Also called: ITPR3-related condition.

Allele frequency attached by ClinVar (database versions not stated): gnomAD 0.00359 and 0.00333; TOPMed 0.00373; 1000 Genomes Project 30x 0.00437; 1000 Genomes Project 0.00359; ESP Exome Variant Server 0.00377.
gnomAD v4.1: 1,074 of 1,612,894 alleles (0.067%); highest among the groups gnomAD compares: African/African-American, 1.2%; 11 homozygotes.

Submissions (2):

Labcorp Genetics (formerly Invitae), Labcorp
Classification: Benign. Last evaluated: 2019-12-31. Review status: criteria provided, single submitter. Criteria: Invitae Variant Classification Sherloc (09022015). Collection method: clinical testing. Allele origin: germline.

PreventionGenetics, part of Exact Sciences
Classification: Benign for ITPR3-related condition. Last evaluated: 2019-08-15. Review status: no assertion criteria provided. Collection method: clinical testing. Allele origin: germline. Not counted in ClinVar's aggregate classification.
Comment: This variant is classified as benign based on ACMG/AMP sequence variant interpretation guidelines (Richards et al. 2015 PMID: 25741868, with internal and published modifications).